The following is an entry in ClinVar:

ClinVar aggregate classification (germline): Likely benign (1 of 4 stars; one submission).

Allele frequency attached by ClinVar (database versions not stated): gnomAD 0.00028; TOPMed 0.00031; ESP Exome Variant Server 0.00033; gnomAD exomes 0.00050; 1000 Genomes Project 0.00060; 1000 Genomes Project 30x 0.00062; ExAC 0.00136.
gnomAD v4.1: 763 of 1,594,286 alleles (0.048%); highest among the groups gnomAD compares: Middle Eastern, 0.31%; 4 homozygotes.

Submission:

CeGaT Center for Human Genetics Tuebingen
Classification: Likely benign. Last evaluated: 2022-12-01. Review status: criteria provided, single submitter. Criteria: CeGaT Center For Human Genetics Tuebingen Variant Classification Criteria Version 2. Collection method: clinical testing. Allele origin: germline. Affected: yes. Observed: 2 variant alleles.
Comment: TNRC18: BP4, BP7

NM_001080495.3(TNRC18):c.2397G>A (p.Leu799=)

Gene: TNRC18 (trinucleotide repeat containing 18; minus strand). Cytogenetic location: 7p22.1.
Variant type: single nucleotide variant.
Coding change: c.2397G>A on transcript NM_001080495.3 (MANE Select); coding-DNA position 2397, G replaced by A.
Protein change: p.Leu799=; no amino-acid change (leucine 799 retained).
Molecular consequence: synonymous variant.
Genome position (GRCh38, 1-based): chr7:5,377,435, C>T on the plus strand (G>A on the coding strand, the complement: TNRC18 is on the minus strand). VCF-style: chr7-5377435-C-T. GRCh37 (hg19) VCF-style: chr7-5417066-C-T.
Identifiers: ClinVar variation 2657282 (VCV002657282.24), dbSNP rs371342224, ClinGen allele CA4145353.